The following is an entry in ClinVar:

ClinVar aggregate classification (germline): Uncertain significance (1 of 4 stars; one submission).

gnomAD v4.1: 1 of 1,613,410 alleles (0.000062%); highest among the groups gnomAD compares: African/African-American, 0.0013%; no homozygotes.

Submission:

Labcorp Genetics (formerly Invitae), Labcorp
Classification: Uncertain significance. Last evaluated: 2023-10-03. Review status: criteria provided, single submitter. Criteria: Invitae Variant Classification Sherloc (09022015). Collection method: clinical testing. Allele origin: germline.
Comment: This sequence change replaces valine, which is neutral and non-polar, with alanine, which is neutral and non-polar, at codon 2780 of the ANK3 protein (p.Val2780Ala). This variant is not present in population databases (gnomAD no frequency). This variant has not been reported in the literature in individuals affected with ANK3-related conditions. ClinVar contains an entry for this variant (Variation ID: 1907952). Advanced modeling of protein sequence and biophysical properties (such as structural, functional, and spatial information, amino acid conservation, physicochemical variation, residue mobility, and thermodynamic stability) performed at Invitae indicates that this missense variant is not expected to disrupt ANK3 protein function. In summary, the available evidence is currently insufficient to determine the role of this variant in disease. Therefore, it has been classified as a Variant of Uncertain Significance.

NM_020987.5(ANK3):c.8339T>C (p.Val2780Ala)

Gene: ANK3 (ankyrin 3; minus strand). Cytogenetic location: 10q21.2.
Variant type: single nucleotide variant.
Coding change: c.8339T>C on transcript NM_020987.5 (MANE Select); coding-DNA position 8339, T replaced by C.
Protein change: p.Val2780Ala; replaces valine 2780 with alanine.
Molecular consequence: missense variant. On other transcripts: intron variant (4).
Genome position (GRCh38, 1-based): chr10:60,072,542, A>G on the plus strand (T>C on the coding strand, the complement: ANK3 is on the minus strand). VCF-style: chr10-60072542-A-G. GRCh37 (hg19) VCF-style: chr10-61832300-A-G.
Other names: c.4388-4533T>C (NM_001204403.2); c.4409-4533T>C (NM_001204404.2); c.4406-4533T>C (NM_001320874.2); c.1808-4533T>C (NM_001149.4); short protein forms V2780A.
Identifiers: ClinVar variation 1907952 (VCV001907952.5), dbSNP rs2492543418, ClinGen allele CA377008065.